The following is an entry in ClinVar:

NM_001367561.1(DOCK7):c.3537T>G (p.Pro1179=)

Gene: DOCK7 (dedicator of cytokinesis 7; minus strand). Cytogenetic location: 1p31.3.
Variant type: single nucleotide variant.
Coding change: c.3537T>G on transcript NM_001367561.1 (MANE Select); coding-DNA position 3537, T replaced by G.
Protein change: p.Pro1179=; no amino-acid change (proline 1179 retained).
Molecular consequence: synonymous variant.
Genome position (GRCh38, 1-based): chr1:62,535,567, A>C on the plus strand (T>G on the coding strand, the complement: DOCK7 is on the minus strand). VCF-style: chr1-62535567-A-C. GRCh37 (hg19) VCF-style: chr1-63001238-A-C.
Other names: c.3537T>G, p.Pro1179= (NM_001271999.2, NM_001330614.2); c.3444T>G, p.Pro1148= (NM_001272000.2, NM_001272001.2, NM_033407.4).
Identifiers: ClinVar variation 2002955 (VCV002002955.5), dbSNP rs1645317383, ClinGen allele CA418004053.

ClinVar aggregate classification (germline): Likely benign. Review status: criteria provided, multiple submitters, no conflicts (2 of 4 stars). 2 submissions from 2 submitters: Likely benign (2). Last evaluated 2026-08-01.

Conditions:
Developmental and epileptic encephalopathy, 23 (DEE23). Also called: Epileptic encephalopathy, early infantile, 23. Identifiers: Orphanet 411986, MedGen C4014492, MONDO:0014371, OMIM 615859.

Allele frequency attached by ClinVar (database versions not stated): TOPMed below 0.00001.

Submissions (2):

CeGaT Center for Human Genetics Tuebingen
Classification: Likely benign. Last evaluated: 2026-08-01. Review status: criteria provided, single submitter. Criteria: CeGaT Center For Human Genetics Tuebingen Variant Classification Criteria Version 2. Collection method: clinical testing. Allele origin: germline. Affected: yes. Observed: 1 variant allele.
Comment: DOCK7: PM2:Supporting, BP4, BP7

Labcorp Genetics (formerly Invitae), Labcorp
Classification: Likely benign for Developmental and epileptic encephalopathy, 23. Last evaluated: 2022-08-06. Review status: criteria provided, single submitter. Criteria: Invitae Variant Classification Sherloc (09022015). Collection method: clinical testing. Allele origin: germline.